The following is an entry in ClinVar:

NM_014225.6(PPP2R1A):c.40G>T (p.Ala14Ser)

Gene: PPP2R1A (protein phosphatase 2 scaffold subunit Aalpha; plus strand). Cytogenetic location: 19q13.41.
Variant type: single nucleotide variant.
Coding change: c.40G>T on transcript NM_014225.6 (MANE Select); coding-DNA position 40, G replaced by T.
Protein change: p.Ala14Ser; replaces alanine 14 with serine.
Molecular consequence: missense variant. On other transcripts: non-coding transcript variant (1).
Genome position (GRCh38, 1-based): chr19:52,190,136, G>T. VCF-style: chr19-52190136-G-T. GRCh37 (hg19) VCF-style: chr19-52693389-G-T.
Other names: short protein forms A14S.
Identifiers: ClinVar variation 2759477 (VCV002759477.3), dbSNP rs2122267732, ClinGen allele CA407178531.

ClinVar aggregate classification (germline): Uncertain significance (1 of 4 stars; one submission).

Submission:

Labcorp Genetics (formerly Invitae), Labcorp
Classification: Uncertain significance. Last evaluated: 2023-09-19. Review status: criteria provided, single submitter. Criteria: Invitae Variant Classification Sherloc (09022015). Collection method: clinical testing. Allele origin: germline.
Comment: This sequence change replaces alanine, which is neutral and non-polar, with serine, which is neutral and polar, at codon 14 of the PPP2R1A protein (p.Ala14Ser). This variant is not present in population databases (gnomAD no frequency). This variant has not been reported in the literature in individuals affected with PPP2R1A-related conditions. Advanced modeling of protein sequence and biophysical properties (such as structural, functional, and spatial information, amino acid conservation, physicochemical variation, residue mobility, and thermodynamic stability) has been performed at Invitae for this missense variant, however the output from this modeling did not meet the statistical confidence thresholds required to predict the impact of this variant on PPP2R1A protein function. In summary, the available evidence is currently insufficient to determine the role of this variant in disease. Therefore, it has been classified as a Variant of Uncertain Significance.